The following is an entry in ClinVar:

NM_001165963.4(SCN1A):c.1205T>G (p.Phe402Cys)

Gene: SCN1A (sodium voltage-gated channel alpha subunit 1; minus strand). Cytogenetic location: 2q24.3.
Variant type: single nucleotide variant.
Coding change: c.1205T>G on transcript NM_001165963.4 (MANE Select); coding-DNA position 1205, T replaced by G.
Protein change: p.Phe402Cys; replaces phenylalanine 402 with cysteine.
Molecular consequence: missense variant. On other transcripts: 5 prime UTR variant (1), non-coding transcript variant (1).
Genome position (GRCh38, 1-based): chr2:166,046,942, A>C on the plus strand (T>G on the coding strand, the complement: SCN1A is on the minus strand). VCF-style: chr2-166046942-A-C. GRCh37 (hg19) VCF-style: chr2-166903452-A-C.
Other names: c.1205T>G, p.Phe402Cys (NM_001165964.3, NM_001202435.3, NM_001353948.2 and 10 more transcripts); c.-1221T>G (NM_001353961.2); short protein forms F402C.
Identifiers: ClinVar variation 1718669 (VCV001718669.5), dbSNP rs2468182230, ClinGen allele CA349070984.

ClinVar aggregate classification (germline): Uncertain significance (1 of 4 stars; one submission).

Conditions:
Early-infantile DEE. Also called: Early infantile epileptic encephalopathy with suppression bursts; Early infantile epileptic encephalopathy; Ohtahara syndrome. Identifiers: Orphanet 1934, MedGen C0393706, MONDO:0800491.

Submission:

Labcorp Genetics (formerly Invitae), Labcorp
Classification: Uncertain significance for Early-infantile DEE. Last evaluated: 2024-04-10. Review status: criteria provided, single submitter. Criteria: Invitae Variant Classification Sherloc (09022015). Collection method: clinical testing. Allele origin: germline.
Comment: This sequence change replaces phenylalanine, which is neutral and non-polar, with cysteine, which is neutral and slightly polar, at codon 402 of the SCN1A protein (p.Phe402Cys). This variant is not present in population databases (gnomAD no frequency). This variant has not been reported in the literature in individuals affected with SCN1A-related conditions. ClinVar contains an entry for this variant (Variation ID: 1718669). Advanced modeling of protein sequence and biophysical properties (such as structural, functional, and spatial information, amino acid conservation, physicochemical variation, residue mobility, and thermodynamic stability) performed at Invitae indicates that this missense variant is expected to disrupt SCN1A protein function with a positive predictive value of 95%. In summary, the available evidence is currently insufficient to determine the role of this variant in disease. Therefore, it has been classified as a Variant of Uncertain Significance.